The following is an entry in ClinVar:

NM_012418.4(FSCN2):c.1106-28dup

Gene: FSCN2 (fascin actin-bundling protein 2, retinal; plus strand). Cytogenetic location: 17q25.3.
Variant type: Duplication.
Coding change: c.1106-28dup on transcript NM_012418.4 (MANE Select); 28 bases into the intron before coding-DNA position 1106, one base duplicated (G; older notation c.1106-28dupG).
Molecular consequence: intron variant. On other transcripts: frameshift variant (1).
Genome position (GRCh38, 1-based): chr17:81,536,594, G duplicated; the last of 4 consecutive G bases (chr17:81,536,591-81,536,594); duplicating any one gives the same sequence. VCF-style (leftmost placement, unchanged base first): chr17-81536590-A-AG. GRCh37 (hg19) VCF-style: chr17-79503616-A-AG.
Other names: c.1150dup, p.Ala384fs (NM_001077182.3); short protein forms A384fs.
Identifiers: ClinVar variation 1497360 (VCV001497360.6), dbSNP rs776329970, ClinGen allele CA8836992.

ClinVar aggregate classification (germline): Uncertain significance (1 of 4 stars; one submission).

Submission:

Labcorp Genetics (formerly Invitae), Labcorp
Classification: Uncertain significance. Last evaluated: 2023-08-23. Review status: criteria provided, single submitter. Criteria: Invitae Variant Classification Sherloc (09022015). Collection method: clinical testing. Allele origin: germline.
Comment: This sequence change creates a premature translational stop signal (p.Ala384Glyfs*96) in the FSCN2 gene. While this is not anticipated to result in nonsense mediated decay, it is expected to disrupt the last 133 amino acid(s) of the FSCN2 protein. This variant is not present in population databases (gnomAD no frequency). This variant has not been reported in the literature in individuals affected with FSCN2-related conditions. ClinVar contains an entry for this variant (Variation ID: 1497360). Experimental studies and prediction algorithms are not available or were not evaluated, and the functional significance of this variant is currently unknown. In summary, the available evidence is currently insufficient to determine the role of this variant in disease. Therefore, it has been classified as a Variant of Uncertain Significance.